The following is an entry in ClinVar:

NM_000548.5(TSC2):c.598C>G (p.Gln200Glu)

Gene: TSC2 (TSC complex subunit 2; plus strand). Cytogenetic location: 16p13.3.
Variant type: single nucleotide variant.
Coding change: c.598C>G on transcript NM_000548.5 (MANE Select); coding-DNA position 598, C replaced by G.
Protein change: p.Gln200Glu; replaces glutamine 200 with glutamic acid.
Molecular consequence: missense variant. On other transcripts: 5 prime UTR variant (13), non-coding transcript variant (5), intron variant (6).
Genome position (GRCh38, 1-based): chr16:2,055,518, C>G. VCF-style: chr16-2055518-C-G. GRCh37 (hg19) VCF-style: chr16-2105519-C-G.
Other names: c.598C>G, p.Gln200Glu (NM_001077183.3, NM_001114382.3, NM_001363528.2 and 8 more transcripts); c.487C>G, p.Gln163Glu (NM_001318827.2, NM_001406670.1, NM_001406678.1); c.451C>G, p.Gln151Glu (NM_001318829.2, NM_001406675.1, NM_001406676.1 and 1 more transcripts); c.631C>G, p.Gln211Glu (NM_001318832.2); c.688C>G, p.Gln230Glu (NM_001406667.1, NM_001406668.1); c.541C>G, p.Gln181Glu (NM_001406677.1); c.-219C>G (NM_001406680.1, NM_001406683.1, NM_001406687.1); c.136C>G, p.Gln46Glu (NM_001406681.1); and 6 more; short protein forms Q211E, Q46E, Q151E, Q163E, Q200E, Q181E, Q230E.
Identifiers: ClinVar variation 4717581 (VCV004717581.1).
Genomic context (GRCh38, chr16:2,055,518, plus strand): 5'-CTGGTGAACTTGGTCAAATTCAATAGCTGTTACCTCGACGAGTACATCGCAAGGATGGTT[C>G]AGTAAGAAAAGAATTGAGATCCTGTTCTGATAATGGTCCTAAGTTCAGCTCCGCAGTGAA-3'
Protein context (NP_000539.2, residues 190-210): YLDEYIARMV[Gln200Glu]MICLLCVRTA

ClinVar aggregate classification (germline): Uncertain significance (1 of 4 stars; one submission).

Conditions:
Tuberous sclerosis 2 (TSC2). Identifiers: Orphanet 805, MedGen C1860707, MONDO:0013199, OMIM 613254.

Submission:

Labcorp Genetics (formerly Invitae), Labcorp
Classification: Uncertain significance for Tuberous sclerosis 2. Last evaluated: 2025-04-16. Review status: criteria provided, single submitter. Criteria: Invitae Variant Classification Sherloc (09022015). Collection method: clinical testing. Allele origin: germline.
Comment: This sequence change replaces glutamine, which is neutral and polar, with glutamic acid, which is acidic and polar, at codon 200 of the TSC2 protein (p.Gln200Glu). This variant is not present in population databases (gnomAD no frequency). This variant has not been reported in the literature in individuals affected with TSC2-related conditions. An algorithm developed to predict the effect of missense changes on protein structure and function (PolyPhen-2) suggests that this variant is likely to be tolerated. In summary, the available evidence is currently insufficient to determine the role of this variant in disease. Therefore, it has been classified as a Variant of Uncertain Significance.